The following is an entry in ClinVar:

ClinVar aggregate classification (germline): Uncertain significance (1 of 4 stars; one submission).

Conditions:
Hereditary cancer-predisposing syndrome. Also called: Neoplastic Syndromes, Hereditary; Tumor predisposition; Hereditary Cancer Syndrome; Hereditary neoplastic syndrome. Identifiers: Orphanet 140162, MedGen C0027672, MeSH D009386, MONDO:0015356.

Allele frequency attached by ClinVar (database versions not stated): gnomAD exomes below 0.00001.

Submission:

Ambry Genetics
Classification: Uncertain significance for Hereditary cancer-predisposing syndrome. Last evaluated: 2022-07-24. Review status: criteria provided, single submitter. Criteria: Ambry Variant Classification Scheme 2023. Collection method: clinical testing. Allele origin: germline.
Comment: The p.K1134Q variant (also known as c.3400A>C), located in coding exon 22 of the RAD50 gene, results from an A to C substitution at nucleotide position 3400. The lysine at codon 1134 is replaced by glutamine, an amino acid with similar properties. This amino acid position is conserved. In addition, the in silico prediction for this alteration is inconclusive. Since supporting evidence is limited at this time, the clinical significance of this alteration remains unclear.

NM_005732.4(RAD50):c.3400A>C (p.Lys1134Gln)

Genes: RAD50 (RAD50 double strand break repair protein; plus strand), TH2-LCR (Th2 cytokine locus control region; plus strand), TH2LCRR (T helper type 2 locus control region associated RNA; minus strand). Cytogenetic location: 5q31.1.
Variant type: single nucleotide variant.
Coding change: c.3400A>C on transcript NM_005732.4 (MANE Select); coding-DNA position 3400, A replaced by C.
Protein change: p.Lys1134Gln; replaces lysine 1134 with glutamine.
Molecular consequence: missense variant.
Genome position (GRCh38, 1-based): chr5:132,637,125, A>C. VCF-style: chr5-132637125-A-C. GRCh37 (hg19) VCF-style: chr5-131972817-A-C.
Other names: short protein forms K1134Q.
Identifiers: ClinVar variation 1731066 (VCV001731066.2), dbSNP rs2479424672, ClinGen allele CA360929726.